The following is an entry in ClinVar:

NM_178857.6(RP1L1):c.2332C>T (p.Pro778Ser)

Gene: RP1L1 (RP1 like 1). Cytogenetic location: 8p23.1.
Variant type: single nucleotide variant.
Coding change: c.2332C>T on transcript NM_178857.6 (MANE Select); coding-DNA position 2332, C replaced by T.
Protein change: p.Pro778Ser; replaces proline 778 with serine.
Molecular consequence: missense variant.
Genome position (GRCh38, 1-based): chr8:10,611,766, G>A on the plus strand (C>T on the coding strand, the complement: RP1L1 is on the minus strand). VCF-style: chr8-10611766-G-A. GRCh37 (hg19) VCF-style: chr8-10469276-G-A.
Other names: short protein forms P778S.
Identifiers: ClinVar variation 3252405 (VCV003252405.1), dbSNP rs778746980.

ClinVar aggregate classification (germline): Uncertain significance (1 of 4 stars; one submission).

Allele frequency attached by ClinVar (database versions not stated): TOPMed below 0.00001; ExAC 0.00001; gnomAD 0.00001; gnomAD exomes 0.00001.
gnomAD v4.1: 9 of 1,613,544 alleles (0.00056%); highest among the groups gnomAD compares: Non-Finnish European, 0.00076%; no homozygotes.

Submission:

GeneDx
Classification: Uncertain significance. Last evaluated: 2023-12-08. Review status: criteria provided, single submitter. Criteria: GeneDx Variant Classification Process June 2021. Collection method: clinical testing. Allele origin: germline. Affected: yes.
Comment: Not observed at significant frequency in large population cohorts (gnomAD); In silico analysis supports that this missense variant does not alter protein structure/function; Has not been previously published as pathogenic or benign to our knowledge